The following is an entry in ClinVar:

ClinVar aggregate classification (germline): Conflicting classifications of pathogenicity. Review status: criteria provided, conflicting classifications (1 of 4 stars). 5 submissions from 5 submitters: Likely pathogenic (1); Uncertain significance (4). Last evaluated 2026-09-04.

Conditions:
Bleeding and platelet disorders.
Upshaw-Schulman syndrome (TTP). Also called: THROMBOTIC THROMBOCYTOPENIC PURPURA, HEREDITARY; Congenital thrombotic thrombocytopenic purpura. Identifiers: Orphanet 93583, MedGen C1268935, MONDO:0010122, OMIM 274150.

Allele frequency attached by ClinVar (database versions not stated): ExAC 0.00011; gnomAD exomes 0.00014 and 0.00025; gnomAD 0.00020 and 0.00021; TOPMed 0.00020; ESP Exome Variant Server 0.00023.
gnomAD v4.1: 394 of 1,613,830 alleles (0.024%); highest among the groups gnomAD compares: Non-Finnish European, 0.032%; no homozygotes.

Submissions (5):

North West Genomic Laboratory Hub, Manchester University NHS Foundation Trust
Classification: Likely pathogenic for Bleeding and platelet disorders. Last evaluated: 2026-09-04. Review status: criteria provided, single submitter. Criteria: ACGS Best Practice Guidelines for Variant Classification in Rare Disease 2024. Collection method: clinical testing. Allele origin: germline. Affected: yes.
Comment: PM1_Mod PM2_Mod PP4_Supp PM3_Supp

Labcorp Genetics (formerly Invitae), Labcorp
Classification: Uncertain significance. Last evaluated: 2024-09-30. Review status: criteria provided, single submitter. Criteria: Invitae Variant Classification Sherloc (09022015). Collection method: clinical testing. Allele origin: germline.
Comment: This sequence change replaces arginine, which is basic and polar, with lysine, which is basic and polar, at codon 659 of the ADAMTS13 protein (p.Arg659Lys). This variant is present in population databases (rs150764227, gnomAD 0.03%). This missense change has been observed in individual(s) with congenital thrombotic thrombocytopenic purpura (PMID: 30770395). ClinVar contains an entry for this variant (Variation ID: 444788). Invitae Evidence Modeling of protein sequence and biophysical properties (such as structural, functional, and spatial information, amino acid conservation, physicochemical variation, residue mobility, and thermodynamic stability) indicates that this missense variant is expected to disrupt ADAMTS13 protein function with a positive predictive value of 80%. In summary, the available evidence is currently insufficient to determine the role of this variant in disease. Therefore, it has been classified as a Variant of Uncertain Significance.

Blueprint Genetics
Classification: Uncertain significance. Last evaluated: 2024-09-05. Review status: criteria provided, single submitter. Criteria: ACMG Guidelines, 2015. Collection method: clinical testing. Allele origin: germline.

Fulgent Genetics
Classification: Uncertain significance for Upshaw-Schulman syndrome. Last evaluated: 2024-03-11. Review status: criteria provided, single submitter. Criteria: ACMG Guidelines, 2015. Collection method: clinical testing. Allele origin: germline.

CeGaT Center for Human Genetics Tuebingen
Classification: Uncertain significance. Last evaluated: 2017-04-01. Review status: criteria provided, single submitter. Criteria: CeGaT Center For Human Genetics Tuebingen Variant Classification Criteria Version 2. Collection method: clinical testing. Allele origin: germline. Affected: yes. Observed: 1 variant allele.

Literature cited by the submitters: PubMed 30770395 (cited by Labcorp Genetics (formerly Invitae), Labcorp).

NM_139027.6(ADAMTS13):c.1976G>A (p.Arg659Lys)

Gene: ADAMTS13 (ADAM metallopeptidase with thrombospondin type 1 motif 13; plus strand). Cytogenetic location: 9q34.2.
Variant type: single nucleotide variant.
Coding change: c.1976G>A on transcript NM_139027.6 (MANE Select); coding-DNA position 1976, G replaced by A.
Protein change: p.Arg659Lys; replaces arginine 659 with lysine.
Molecular consequence: missense variant.
Genome position (GRCh38, 1-based): chr9:133,442,406, G>A. VCF-style: chr9-133442406-G-A. GRCh37 (hg19) VCF-style: chr9-136307527-G-A.
Other names: c.1976G>A (NM_139025.4); c.1976G>A, p.Arg659Lys (NM_139025.5); c.1883G>A, p.Arg628Lys (NM_139026.6); short protein forms R659K, R628K.
Identifiers: ClinVar variation 444788 (VCV000444788.46), dbSNP rs150764227, ClinGen allele CA200933808.